The following is an entry in ClinVar:

ClinVar aggregate classification (germline): Uncertain significance (1 of 4 stars; one submission).

Submission:

Labcorp Genetics (formerly Invitae), Labcorp
Classification: Uncertain significance. Last evaluated: 2023-08-29. Review status: criteria provided, single submitter. Criteria: Invitae Variant Classification Sherloc (09022015). Collection method: clinical testing. Allele origin: germline.
Comment: In summary, the available evidence is currently insufficient to determine the role of this variant in disease. Therefore, it has been classified as a Variant of Uncertain Significance. Advanced modeling of protein sequence and biophysical properties (such as structural, functional, and spatial information, amino acid conservation, physicochemical variation, residue mobility, and thermodynamic stability) performed at Invitae indicates that this missense variant is not expected to disrupt EMC1 protein function. This variant has not been reported in the literature in individuals affected with EMC1-related conditions. This variant is not present in population databases (gnomAD no frequency). This sequence change replaces isoleucine, which is neutral and non-polar, with valine, which is neutral and non-polar, at codon 555 of the EMC1 protein (p.Ile555Val).

NM_015047.3(EMC1):c.1663A>G (p.Ile555Val)

Genes: EMC1-AS1 (EMC1 antisense RNA 1; plus strand), EMC1 (ER membrane protein complex subunit 1; minus strand). Cytogenetic location: 1p36.13.
Variant type: single nucleotide variant.
Coding change: c.1663A>G on transcript NM_015047.3 (MANE Select); coding-DNA position 1663, A replaced by G.
Protein change: p.Ile555Val; replaces isoleucine 555 with valine.
Molecular consequence: missense variant.
Genome position (GRCh38, 1-based): chr1:19,232,743, T>C on the plus strand (A>G on the coding strand, the complement: EMC1 is on the minus strand). VCF-style: chr1-19232743-T-C. GRCh37 (hg19) VCF-style: chr1-19559237-T-C.
Other names: c.1660A>G, p.Ile554Val (NM_001271427.2, NM_001271428.2); c.1597A>G, p.Ile533Val (NM_001271429.2); c.1672A>G, p.Ile558Val (NM_001375820.1); c.1669A>G, p.Ile557Val (NM_001375821.1); short protein forms I555V, I557V, I558V, I533V, I554V.
Identifiers: ClinVar variation 2755442 (VCV002755442.3), dbSNP rs2536730805, ClinGen allele CA338761280.